The following is an entry in ClinVar:

NM_004595.5(SMS):c.505+3A>G

Gene: SMS (spermine synthase; plus strand). Cytogenetic location: Xp22.11.
Variant type: single nucleotide variant.
Coding change: c.505+3A>G on transcript NM_004595.5 (MANE Select); 3 bases into the intron after coding-DNA position 505, A replaced by G.
Molecular consequence: intron variant.
Genome position (GRCh38, 1-based): chrX:21,977,239, A>G. VCF-style: chrX-21977239-A-G. GRCh37 (hg19) VCF-style: chrX-21995357-A-G.
Other names: c.346+3A>G (NM_001258423.2).
Identifiers: ClinVar variation 590208 (VCV000590208.9), dbSNP rs751807035, ClinGen allele CA10367792.

ClinVar aggregate classification (germline): Uncertain significance. Review status: criteria provided, multiple submitters, no conflicts (2 of 4 stars). 2 submissions from 2 submitters: Uncertain significance (2). Last evaluated 2017-07-27.

Conditions:
History of neurodevelopmental disorder. Identifiers: MedGen C2711754.

Allele frequency attached by ClinVar (database versions not stated): ExAC 0.00001; gnomAD exomes 0.00001 and 0.00003; gnomAD 0.00013 and 0.00015; TOPMed 0.00016.
gnomAD v4.1: 21 of 1,190,050 alleles (0.0018%); highest among the groups gnomAD compares: African/African-American, 0.037%; no homozygotes.

Submissions (2):

Labcorp Genetics (formerly Invitae), Labcorp
Classification: Uncertain significance. Last evaluated: 2017-07-27. Review status: criteria provided, single submitter. Criteria: Invitae Variant Classification Sherloc (09022015). Collection method: clinical testing. Allele origin: germline.
Comment: In summary, the available evidence is currently insufficient to determine the role of this variant in disease. Therefore, it has been classified as a Variant of Uncertain Significance. Nucleotide substitutions within the consensus splice site are a relatively common cause of aberrant splicing (PMID: 17576681, 9536098). Algorithms developed to predict the effect of sequence changes on RNA splicing suggest that this variant may disrupt the consensus splice site, but this prediction has not been confirmed by published transcriptional studies. This variant has not been reported in the literature in individuals with SMS-related disease. This variant is present in population databases (rs751807035, ExAC 0.01%). This sequence change falls in intron 5 of the SMS gene. It does not directly change the encoded amino acid sequence of the SMS protein, but it affects a nucleotide within the consensus splice site of the intron.

Ambry Genetics
Classification: Uncertain significance for History of neurodevelopmental disorder. Last evaluated: 2010-11-09. Review status: criteria provided, single submitter. Criteria: Ambry Autosomal Dominant and X-Linked criteria (10/2015). Collection method: clinical testing. Allele origin: germline. Observed: 1 variant allele.
Comment: There is insufficient or conflicting evidence for classification of this alteration.

Literature cited by the submitters: PubMed 17576681 (cited by Labcorp Genetics (formerly Invitae), Labcorp); PubMed 9536098 (cited by Labcorp Genetics (formerly Invitae), Labcorp).